The following is an entry in ClinVar:

NM_025179.4(PLXNA2):c.766C>G (p.Leu256Val)

Gene: PLXNA2 (plexin A2; minus strand). Cytogenetic location: 1q32.2.
Variant type: single nucleotide variant.
Coding change: c.766C>G on transcript NM_025179.4 (MANE Select); coding-DNA position 766, C replaced by G.
Protein change: p.Leu256Val; replaces leucine 256 with valine.
Molecular consequence: missense variant.
Genome position (GRCh38, 1-based): chr1:208,217,157, G>C on the plus strand (C>G on the coding strand, the complement: PLXNA2 is on the minus strand). VCF-style: chr1-208217157-G-C. GRCh37 (hg19) VCF-style: chr1-208390502-G-C.
Other names: short protein forms L256V.
Identifiers: ClinVar variation 3349256 (VCV003349256.1).

ClinVar aggregate classification (germline): Uncertain significance (0 of 4 stars; one submission).

Conditions:
PLXNA2-related disorder. Also called: PLXNA2-related condition.

gnomAD v4.1: 2 of 1,614,172 alleles (0.00012%); highest among the groups gnomAD compares: Non-Finnish European, 0.00017%; no homozygotes.

Submission:

PreventionGenetics, part of Exact Sciences
Classification: Uncertain significance for PLXNA2-related condition. Last evaluated: 2024-02-19. Review status: no assertion criteria provided. Collection method: clinical testing. Allele origin: germline.
Comment: The PLXNA2 c.766C>G variant is predicted to result in the amino acid substitution p.Leu256Val. To our knowledge, this variant has not been reported in the literature. This variant is reported in 0.00088% of alleles in individuals of European (Non-Finnish) descent in gnomAD. At this time, the clinical significance of this variant is uncertain due to the absence of conclusive functional and genetic evidence.